The following is an entry in ClinVar:

ClinVar aggregate classification (germline): Benign. Review status: criteria provided, multiple submitters, no conflicts (2 of 4 stars). 2 submissions from 2 submitters: Benign (2). Last evaluated 2018-06-17.

Allele frequency attached by ClinVar (database versions not stated): gnomAD 0.03964 and 0.04256; TOPMed 0.04594; 1000 Genomes Project 0.04692; 1000 Genomes Project 30x 0.05059.
gnomAD v4.1: 12,445 of 1,611,140 alleles (0.77%); highest among the groups gnomAD compares: African/African-American, 14%; 716 homozygotes.

Submissions (2):

GeneDx
Classification: Benign. Last evaluated: 2018-06-17. Review status: criteria provided, single submitter. Criteria: GeneDx Variant Classification (06012015). Collection method: clinical testing. Allele origin: germline. Affected: yes.
Comment: This variant is considered likely benign or benign based on one or more of the following criteria: it is a conservative change, it occurs at a poorly conserved position in the protein, it is predicted to be benign by multiple in silico algorithms, and/or has population frequency not consistent with disease.

Breakthrough Genomics
Classification: Benign. Review status: criteria provided, single submitter. Criteria: ACMG Guidelines, 2015. Collection method: not provided. Allele origin: germline. Inheritance: Autosomal recessive inheritance. Affected: yes.

NM_147127.5(EVC2):c.1006-54C>T

Gene: EVC2 (EvC ciliary complex subunit 2; minus strand). Cytogenetic location: 4p16.2.
Variant type: single nucleotide variant.
Coding change: c.1006-54C>T on transcript NM_147127.5 (MANE Select); 54 bases into the intron before coding-DNA position 1006, C replaced by T.
Molecular consequence: intron variant.
Genome position (GRCh38, 1-based): chr4:5,663,300, G>A on the plus strand (C>T on the coding strand, the complement: EVC2 is on the minus strand). VCF-style: chr4-5663300-G-A. GRCh37 (hg19) VCF-style: chr4-5665027-G-A.
Other names: c.766-54C>T (NM_001166136.2).
Identifiers: ClinVar variation 675142 (VCV000675142.2), dbSNP rs73798106, ClinGen allele CA91704080.
Genomic context (GRCh38, chr4:5,663,300, plus strand): 5'-GCCAAACCTTCAGGAGAATTGCGGAAATAATAATTGATTGGGCCTTCTTGTGAATTCCAC[G>A]TGCTGAGAAAGCCAGGAGGGAAGGCCAGGGGTCTGCAGTCTGAGCACCCAATCAGCCCCA-3'